The following is an entry in ClinVar:

NM_000210.4(ITGA6):c.-14C>G

Gene: ITGA6 (integrin subunit alpha 6; plus strand). Cytogenetic location: 2q31.1.
Variant type: single nucleotide variant.
Coding change: c.-14C>G on transcript NM_000210.4 (MANE Select); 14 bases upstream of the start codon, C replaced by G.
Molecular consequence: 5 prime UTR variant. On other transcripts: intron variant (1).
Genome position (GRCh38, 1-based): chr2:172,427,775, C>G. VCF-style: chr2-172427775-C-G. GRCh37 (hg19) VCF-style: chr2-173292503-C-G.
Other names: c.-14C>G (NM_001079818.3, NM_001365529.2, NM_001365530.2); c.-161+305C>G (NM_001316306.2).
Identifiers: ClinVar variation 332354 (VCV000332354.6), dbSNP rs144341070, ClinGen allele CA1967688.

ClinVar aggregate classification (germline): Benign. Review status: criteria provided, multiple submitters, no conflicts (2 of 4 stars). 2 submissions from 2 submitters: Benign (2). Last evaluated 2018-01-13.

Conditions:
Junctional epidermolysis bullosa with pyloric atresia. Also called: ITGB4-Related Epidermolysis Bullosa with Pyloric Atresia; ITGA6-Related Epidermolysis Bullosa with Pyloric Atresia; EPIDERMOLYSIS BULLOSA, JUNCTIONAL 5B, WITH PYLORIC ATRESIA; APLASIA CUTIS CONGENITA WITH GASTROINTESTINAL ATRESIA; CARMI SYNDROME; EB-PA-ACC. Identifiers: Orphanet 79403, MedGen C5676875, MONDO:0009183, OMIM 226730.

Allele frequency attached by ClinVar (database versions not stated): ESP Exome Variant Server 0.00212; TOPMed 0.00255; gnomAD 0.00273 and 0.00300; gnomAD exomes 0.00342; 1000 Genomes Project 30x 0.00484; 1000 Genomes Project 0.00539; ExAC 0.00830.
gnomAD v4.1: 5,494 of 1,580,184 alleles (0.35%); highest among the groups gnomAD compares: Middle Eastern, 0.77%; 22 homozygotes.

Submissions (2):

Illumina Laboratory Services, Illumina
Classification: Benign for Junctional epidermolysis bullosa with pyloric atresia. Last evaluated: 2018-01-13. Review status: criteria provided, single submitter. Criteria: ICSL Variant Classification Criteria 13 December 2019. Collection method: clinical testing. Allele origin: germline.
Comment: This variant was observed in the ICSL laboratory as part of a predisposition screen in an ostensibly healthy population. It had not been previously curated by ICSL or reported in the Human Gene Mutation Database (HGMD: prior to June 1st, 2018), and was therefore a candidate for classification through an automated scoring system. Utilizing variant allele frequency, disease prevalence and penetrance estimates, and inheritance mode, an automated score was calculated to assess if this variant is too frequent to cause the disease. Based on the score and internal cut-off values, a variant classified as benign is not then subjected to further curation. The score for this variant resulted in a classification of benign for this disease.

Breakthrough Genomics
Classification: Benign. Review status: criteria provided, single submitter. Criteria: ACMG Guidelines, 2015. Collection method: not provided. Allele origin: germline. Inheritance: Autosomal recessive inheritance. Affected: yes.